The following is an entry in ClinVar:

ClinVar aggregate classification (germline): Likely pathogenic (1 of 4 stars; one submission).

Conditions:
Progressive myoclonic epilepsy type 7. Identifiers: Orphanet 435438, MedGen C4015420, MONDO:0014521, OMIM 616187.

Allele frequency attached by ClinVar (database versions not stated): gnomAD exomes 0.00001; TOPMed 0.00001.
gnomAD v4.1: 9 of 1,550,066 alleles (0.00058%); highest among the groups gnomAD compares: Non-Finnish European, 0.0007%; no homozygotes.

Submission:

Labcorp Genetics (formerly Invitae), Labcorp
Classification: Likely pathogenic for Progressive myoclonic epilepsy type 7. Last evaluated: 2025-07-25. Review status: criteria provided, single submitter. Criteria: Invitae Variant Classification Sherloc (09022015). Collection method: clinical testing. Allele origin: germline.
Comment: This sequence change replaces alanine, which is neutral and non-polar, with valine, which is neutral and non-polar, at codon 513 of the KCNC1 protein (p.Ala513Val). This variant is present in population databases (no rsID available, gnomAD 0.002%). This missense change has been observed in individual(s) with clinical features of KCNC1-related conditions (PMID: 31353855). In at least one individual the variant was observed to be de novo. ClinVar contains an entry for this variant (Variation ID: 938939). Invitae Evidence Modeling of protein sequence and biophysical properties (such as structural, functional, and spatial information, amino acid conservation, physicochemical variation, residue mobility, and thermodynamic stability) indicates that this missense variant is not expected to disrupt KCNC1 protein function with a negative predictive value of 95%. Experimental studies have shown that this missense change affects KCNC1 function (PMID: 34232791). In summary, the currently available evidence indicates that the variant is pathogenic, but additional data are needed to prove that conclusively. Therefore, this variant has been classified as Likely Pathogenic.

Literature cited by the submitters: PubMed 31353855; PubMed 34232791.

NM_001112741.2(KCNC1):c.1538C>T (p.Ala513Val)

Gene: KCNC1 (potassium voltage-gated channel subfamily C member 1; plus strand). Cytogenetic location: 11p15.1.
Variant type: single nucleotide variant.
Coding change: c.1538C>T on transcript NM_001112741.2 (MANE Select); coding-DNA position 1538, C replaced by T.
Protein change: p.Ala513Val; replaces alanine 513 with valine.
Molecular consequence: missense variant.
Genome position (GRCh38, 1-based): chr11:17,779,489, C>T. VCF-style: chr11-17779489-C-T. GRCh37 (hg19) VCF-style: chr11-17801036-C-T.
Other names: short protein forms A513V.
Identifiers: ClinVar variation 938939 (VCV000938939.10), dbSNP rs1485166517, ClinGen allele CA379814078.